The following is an entry in ClinVar:

NM_003835.4(RGS9):c.1981C>T (p.Arg661Trp)

Gene: RGS9 (regulator of G protein signaling 9; plus strand). Cytogenetic location: 17q24.1.
Variant type: single nucleotide variant.
Coding change: c.1981C>T on transcript NM_003835.4 (MANE Select); coding-DNA position 1981, C replaced by T.
Protein change: p.Arg661Trp; replaces arginine 661 with tryptophan.
Molecular consequence: missense variant.
Genome position (GRCh38, 1-based): chr17:65,227,363, C>T. VCF-style: chr17-65227363-C-T. GRCh37 (hg19) VCF-style: chr17-63223481-C-T.
Other names: c.1972C>T, p.Arg658Trp (NM_001081955.3); c.1981C>T (NM_003835.3); short protein forms R661W, R658W.
Identifiers: ClinVar variation 1510607 (VCV001510607.5), dbSNP rs866158145, ClinGen allele CA293085825.
Genomic context (GRCh38, chr17:65,227,363, plus strand): 5'-ACGGGGAGCGGGACCTGCTTGATGGACTCGGAGGATGCTGGAACAGGAGAGTCGGGTGAC[C>T]GGGCCACAGAAAAGGAGGTCATCTGCCCCTGGGAGAGCCTGTAAGGAAAGAGGCAGGCTG-3'
Protein context (NP_003826.2, residues 651-671): EDAGTGESGD[Arg661Trp]ATEKEVICPW

ClinVar aggregate classification (germline): Uncertain significance. Review status: criteria provided, multiple submitters, no conflicts (2 of 4 stars). 2 submissions from 2 submitters: Uncertain significance (2). Last evaluated 2022-09-27.

Conditions:
Inborn genetic diseases. Identifiers: MedGen C0950123, MeSH D030342.

Allele frequency attached by ClinVar (database versions not stated): TOPMed 0.00002; gnomAD 0.00003 and 0.00004.
gnomAD v4.1: 52 of 1,613,974 alleles (0.0032%); highest among the groups gnomAD compares: Middle Eastern, 0.016%; no homozygotes.

Submissions (2):

Labcorp Genetics (formerly Invitae), Labcorp
Classification: Uncertain significance. Last evaluated: 2022-09-27. Review status: criteria provided, single submitter. Criteria: Invitae Variant Classification Sherloc (09022015). Collection method: clinical testing. Allele origin: germline.
Comment: In summary, the available evidence is currently insufficient to determine the role of this variant in disease. Therefore, it has been classified as a Variant of Uncertain Significance. Algorithms developed to predict the effect of missense changes on protein structure and function are either unavailable or do not agree on the potential impact of this missense change (SIFT: "Deleterious"; PolyPhen-2: "Benign"; Align-GVGD: "Class C0"). ClinVar contains an entry for this variant (Variation ID: 1510607). This variant has not been reported in the literature in individuals affected with RGS9-related conditions. This variant is present in population databases (no rsID available, gnomAD 0.004%). This sequence change replaces arginine, which is basic and polar, with tryptophan, which is neutral and slightly polar, at codon 661 of the RGS9 protein (p.Arg661Trp).

Ambry Genetics
Classification: Uncertain significance for Inborn genetic diseases. Last evaluated: 2022-05-04. Review status: criteria provided, single submitter. Criteria: Ambry Variant Classification Scheme 2023. Collection method: clinical testing. Allele origin: germline.